The following is an entry in ClinVar:

Single allele

Gene: GRIN2A (glutamate ionotropic receptor NMDA type subunit 2A; minus strand). Cytogenetic location: 16p13.2.
Variant type: Duplication.
Identifiers: ClinVar variation 560130 (VCV000560130.3).

ClinVar aggregate classification (germline): Uncertain significance (1 of 4 stars; one submission).

Conditions:
Landau-Kleffner syndrome (FESD). Also called: EPILEPSY, FOCAL, WITH SPEECH DISORDER AND WITH OR WITHOUT MENTAL RETARDATION; APHASIA, ACQUIRED, WITH EPILEPSY. Identifiers: Orphanet 1945, Orphanet 725, Orphanet 98818, MedGen C0282512, MONDO:0009509, OMIM 245570.

Submission:

Geisinger Autism and Developmental Medicine Institute, Geisinger Health System
Classification: Uncertain significance for Landau-Kleffner syndrome. Last evaluated: 2018-03-28. Review status: criteria provided, single submitter. Criteria: ACMG CNV Guidelines, 2011. Collection method: provider interpretation. Allele origin: maternal.
Comment: This duplication includes a portion of GRIN2A, which is associated with focal epilepsy and speech disorder with or without intellectual disability for heterozygous variants. However the clinical signifiance of this duplication is not known at this time.